The following is an entry in ClinVar:

NM_001358530.2(MOCS1):c.264G>A (p.Met88Ile)

Gene: MOCS1 (molybdenum cofactor synthesis 1; minus strand). Cytogenetic location: 6p21.2.
Variant type: single nucleotide variant.
Coding change: c.264G>A on transcript NM_001358530.2 (MANE Select); coding-DNA position 264, G replaced by A.
Protein change: p.Met88Ile; replaces methionine 88 with isoleucine.
Molecular consequence: missense variant. On other transcripts: initiator codon variant (3), non-coding transcript variant (1).
Genome position (GRCh38, 1-based): chr6:39,925,832, C>T on the plus strand (G>A on the coding strand, the complement: MOCS1 is on the minus strand). VCF-style: chr6-39925832-C-T. GRCh37 (hg19) VCF-style: chr6-39893576-C-T.
Other names: c.264G>A, p.Met88Ile (NM_001075098.4, NM_001358529.2, NM_005943.6); c.3G>A, p.Met1Ile (NM_001358531.2, NM_001358533.2, NM_001358534.2); short protein forms M88I, M1I.
Identifiers: ClinVar variation 356669 (VCV000356669.55), dbSNP rs144238782, ClinGen allele CA3796363.

ClinVar aggregate classification (germline): Uncertain significance. Review status: criteria provided, multiple submitters, no conflicts (2 of 4 stars). 7 submissions from 7 submitters: Uncertain significance (7). Last evaluated 2025-09-29.

Conditions:
Inborn genetic diseases. Identifiers: MedGen C0950123, MeSH D030342.
Sulfite oxidase deficiency due to molybdenum cofactor deficiency type A. Also called: Molybdenum Cofactor Deficiency A; Molybdenum cofactor deficiency, complementation group A. Identifiers: Orphanet 308386, Orphanet 833, MedGen C1854988, MONDO:0009643, OMIM 252150.

Allele frequency attached by ClinVar (database versions not stated): 1000 Genomes Project 30x 0.00016; 1000 Genomes Project 0.00020; ExAC 0.00020; gnomAD 0.00023 and 0.00024; gnomAD exomes 0.00023; TOPMed 0.00023; ESP Exome Variant Server 0.00031.
gnomAD v4.1: 555 of 1,612,200 alleles (0.034%); highest among the groups gnomAD compares: Non-Finnish European, 0.045%; no homozygotes.

Submissions (7):

Women's Health and Genetics/Laboratory Corporation of America, LabCorp
Classification: Uncertain significance. Last evaluated: 2025-09-29. Review status: criteria provided, single submitter. Criteria: LabCorp Variant Classification Summary - May 2015. Collection method: clinical testing. Allele origin: germline.

Ambry Genetics
Classification: Uncertain significance for Inborn genetic diseases. Last evaluated: 2025-05-13. Review status: criteria provided, single submitter. Criteria: Ambry Variant Classification Scheme 2023. Collection method: clinical testing. Allele origin: germline.

Fulgent Genetics
Classification: Uncertain significance for Sulfite oxidase deficiency due to molybdenum cofactor deficiency type A. Last evaluated: 2024-04-12. Review status: criteria provided, single submitter. Criteria: ACMG Guidelines, 2015. Collection method: clinical testing. Allele origin: germline.

Labcorp Genetics (formerly Invitae), Labcorp
Classification: Uncertain significance for Sulfite oxidase deficiency due to molybdenum cofactor deficiency type A. Last evaluated: 2022-08-22. Review status: criteria provided, single submitter. Criteria: Invitae Variant Classification Sherloc (09022015). Collection method: clinical testing. Allele origin: germline.
Comment: This sequence change replaces methionine, which is neutral and non-polar, with isoleucine, which is neutral and non-polar, at codon 88 of the MOCS1 protein (p.Met88Ile). This variant is present in population databases (rs144238782, gnomAD 0.05%). This variant has not been reported in the literature in individuals affected with MOCS1-related conditions. ClinVar contains an entry for this variant (Variation ID: 356669). Algorithms developed to predict the effect of missense changes on protein structure and function are either unavailable or do not agree on the potential impact of this missense change (SIFT: "Not Available"; PolyPhen-2: "Probably Damaging"; Align-GVGD: "Not Available"). In summary, the available evidence is currently insufficient to determine the role of this variant in disease. Therefore, it has been classified as a Variant of Uncertain Significance.

CeGaT Center for Human Genetics Tuebingen
Classification: Uncertain significance. Last evaluated: 2020-03-01. Review status: criteria provided, single submitter. Criteria: CeGaT Center For Human Genetics Tuebingen Variant Classification Criteria Version 2. Collection method: clinical testing. Allele origin: germline. Affected: yes. Observed: 2 variant alleles.

Illumina Laboratory Services, Illumina
Classification: Uncertain significance for Sulfite oxidase deficiency due to molybdenum cofactor deficiency type A. Last evaluated: 2018-01-13. Review status: criteria provided, single submitter. Criteria: ICSL Variant Classification Criteria 13 December 2019. Collection method: clinical testing. Allele origin: germline.

GeneDx
Classification: Uncertain significance. Last evaluated: 2017-05-31. Review status: criteria provided, single submitter. Criteria: GeneDx Variant Classification (06012015). Collection method: clinical testing. Allele origin: germline. Affected: yes.
Comment: The M88I variant in the MOCS1 gene has not been reported previously as a pathogenic variant, nor as a benign variant, to our knowledge. The M88I variant is observed in 23/64,740 (0.036%) alleles from individuals of European (non-Finnish) background in the ExAC dataset (Lek et al., 2016). The M88I variant is a conservative amino acid substitution, which is not likely to impact secondary protein structure as these residues share similar properties. However, this substitution occurs at a position that is conserved across species, and in silico analysis predicts this variant is probably damaging to the protein structure/function. We interpret M88I as a variant of uncertain significance.